The following is an entry in ClinVar:

ClinVar aggregate classification (germline): Uncertain significance (1 of 4 stars; one submission).

Conditions:
ALG1-congenital disorder of glycosylation. Also called: ALG1-CDG; CONGENITAL DISORDER OF GLYCOSYLATION, TYPE Ik; CDG Ik. Identifiers: Orphanet 79327, MedGen C2931005, MONDO:0012052, OMIM 608540.

Submission:

Labcorp Genetics (formerly Invitae), Labcorp
Classification: Uncertain significance for ALG1-congenital disorder of glycosylation. Last evaluated: 2022-08-03. Review status: criteria provided, single submitter. Criteria: Invitae Variant Classification Sherloc (09022015). Collection method: clinical testing. Allele origin: germline.
Comment: This sequence change falls in intron 7 of the ALG1 gene. It does not directly change the encoded amino acid sequence of the ALG1 protein. This variant is not present in population databases (gnomAD no frequency). This variant has not been reported in the literature in individuals affected with ALG1-related conditions. Algorithms developed to predict the effect of sequence changes on RNA splicing suggest that this variant may disrupt the consensus splice site. In summary, the available evidence is currently insufficient to determine the role of this variant in disease. Therefore, it has been classified as a Variant of Uncertain Significance.

NM_019109.5(ALG1):c.863-11T>C

Gene: ALG1 (ALG1 chitobiosyldiphosphodolichol beta-mannosyltransferase; plus strand). Cytogenetic location: 16p13.3.
Variant type: single nucleotide variant.
Coding change: c.863-11T>C on transcript NM_019109.5 (MANE Select); 11 bases into the intron before coding-DNA position 863, T replaced by C.
Molecular consequence: intron variant.
Genome position (GRCh38, 1-based): chr16:5,079,053, T>C. VCF-style: chr16-5079053-T-C. GRCh37 (hg19) VCF-style: chr16-5129054-T-C.
Other names: c.530-11T>C (NM_001330504.2).
Identifiers: ClinVar variation 1920997 (VCV001920997.5), dbSNP rs2505863705, ClinGen allele CA2580091204.